The following is an entry in ClinVar:

ClinVar aggregate classification (germline): Uncertain significance. Review status: criteria provided, multiple submitters, no conflicts (2 of 4 stars). 2 submissions from 2 submitters: Uncertain significance (2). Last evaluated 2022-11-01.

Conditions:
Familial adenomatous polyposis 1 (FAP1). Also called: POLYPOSIS, ADENOMATOUS INTESTINAL; FAMILIAL ADENOMATOUS POLYPOSIS 1, ATTENUATED. Identifiers: MedGen C2713442, MONDO:0021056, OMIM 175100. Disease mechanism: loss of function.

Submissions (2):

Labcorp Genetics (formerly Invitae), Labcorp
Classification: Uncertain significance for Familial adenomatous polyposis 1. Last evaluated: 2022-11-01. Review status: criteria provided, single submitter. Criteria: Invitae Variant Classification Sherloc (09022015). Collection method: clinical testing. Allele origin: germline.
Comment: In summary, the available evidence is currently insufficient to determine the role of this variant in disease. Therefore, it has been classified as a Variant of Uncertain Significance. Advanced modeling of protein sequence and biophysical properties (such as structural, functional, and spatial information, amino acid conservation, physicochemical variation, residue mobility, and thermodynamic stability) performed at Invitae indicates that this missense variant is not expected to disrupt APC protein function. ClinVar contains an entry for this variant (Variation ID: 1018112). This variant has not been reported in the literature in individuals affected with APC-related conditions. This variant is not present in population databases (gnomAD no frequency). This sequence change replaces glutamine, which is neutral and polar, with arginine, which is basic and polar, at codon 238 of the APC protein (p.Gln238Arg).

Women's Health and Genetics/Laboratory Corporation of America, LabCorp
Classification: Uncertain significance. Last evaluated: 2022-06-21. Review status: criteria provided, single submitter. Criteria: LabCorp Variant Classification Summary - May 2015. Collection method: clinical testing. Allele origin: germline.
Comment: Variant summary: APC c.713A>G (p.Gln238Arg) results in a conservative amino acid change in the encoded protein sequence. Three of five in-silico tools predict a benign effect of the variant on protein function. The variant was absent in 251184 control chromosomes. The available data on variant occurrences in the general population are insufficient to allow any conclusion about variant significance. To our knowledge, no occurrence of c.713A>G in individuals affected with Familial Adenomatous Polyposis and no experimental evidence demonstrating its impact on protein function have been reported. One clinical diagnostic laboratory has submitted clinical-significance assessments for this variant to ClinVar after 2014 without evidence for independent evaluation and classified the variant as uncertain significance. Based on the evidence outlined above, the variant was classified as uncertain significance.

NM_000038.6(APC):c.713A>G (p.Gln238Arg)

Gene: APC (APC regulator of Wnt signaling pathway; plus strand). Cytogenetic location: 5q22.2.
Variant type: single nucleotide variant.
Coding change: c.713A>G on transcript NM_000038.6 (MANE Select); coding-DNA position 713, A replaced by G.
Protein change: p.Gln238Arg; replaces glutamine 238 with arginine.
Molecular consequence: missense variant. On other transcripts: 5 prime UTR variant (1), intron variant (2).
Genome position (GRCh38, 1-based): chr5:112,792,513, A>G. VCF-style: chr5-112792513-A-G. GRCh37 (hg19) VCF-style: chr5-112128210-A-G.
Other names: c.713A>G, p.Gln238Arg (NM_001127510.3, NM_001354895.2, NM_001354896.2 and 1 more transcripts); c.743A>G, p.Gln248Arg (NM_001354897.2, NM_001354902.2); c.638A>G, p.Gln213Arg (NM_001354898.2, NM_001354904.2); c.536A>G, p.Gln179Arg (NM_001354900.2, NM_001354901.2, NM_001354905.2); c.-323A>G (NM_001354906.2); c.676-8766A>G (NM_001127511.3); c.646-8766A>G (NM_001354899.2); short protein forms Q179R, Q213R, Q238R, Q248R.
Identifiers: ClinVar variation 1018112 (VCV001018112.10), dbSNP rs1759740429, ClinGen allele CA16022892.